The following is an entry in ClinVar:

ClinVar aggregate classification (germline): Uncertain significance. Review status: criteria provided, single submitter (1 of 4 stars). 2 submissions from 2 submitters: Uncertain significance (1). 1 of the submissions does not count toward it. Last evaluated 2025-04-02.

Conditions:
Glutamate formiminotransferase deficiency. Also called: Arakawa syndrome 1; Formiminoglutamic aciduria. Identifiers: Orphanet 51208, MedGen C0268609, MONDO:0009240, OMIM 229100.

Allele frequency attached by ClinVar (database versions not stated): gnomAD exomes 0.00002 and 0.00004; TOPMed 0.00005; gnomAD 0.00006 and 0.00007.
gnomAD v4.1: 66 of 1,572,582 alleles (0.0042%); highest among the groups gnomAD compares: African/African-American, 0.0067%; no homozygotes.

Submissions (2):

Labcorp Genetics (formerly Invitae), Labcorp
Classification: Uncertain significance for Glutamate formiminotransferase deficiency. Last evaluated: 2025-04-02. Review status: criteria provided, single submitter. Criteria: Invitae Variant Classification Sherloc (09022015). Collection method: clinical testing. Allele origin: germline.
Comment: This sequence change replaces arginine, which is basic and polar, with cysteine, which is neutral and slightly polar, at codon 135 of the FTCD protein (p.Arg135Cys). The frequency data for this variant in the population databases is considered unreliable, as metrics indicate poor data quality at this position in the gnomAD database. This missense change has been observed in individual(s) with glutamate formiminotransferase deficiency (PMID: 12815595). This variant is also known as c.457C>T. ClinVar contains an entry for this variant (Variation ID: 4017). Invitae Evidence Modeling of protein sequence and biophysical properties (such as structural, functional, and spatial information, amino acid conservation, physicochemical variation, residue mobility, and thermodynamic stability) indicates that this missense variant is expected to disrupt FTCD protein function with a positive predictive value of 80%. Experimental studies have shown that this missense change affects FTCD function (PMID: 12815595). In summary, the available evidence is currently insufficient to determine the role of this variant in disease. Therefore, it has been classified as a Variant of Uncertain Significance.

OMIM
Classification: Pathogenic for GLUTAMATE FORMIMINOTRANSFERASE DEFICIENCY. Last evaluated: 2003-07-01. Review status: no assertion criteria provided. Collection method: literature only. Allele origin: germline. Not counted in ClinVar's aggregate classification.

Literature cited by the submitters: PubMed 12815595 (cited by Labcorp Genetics (formerly Invitae), Labcorp and OMIM).

NM_206965.2(FTCD):c.403C>T (p.Arg135Cys)

Genes: FTCD-AS1 (FTCD antisense RNA 1; plus strand), FTCD (formimidoyltransferase cyclodeaminase; minus strand). Cytogenetic location: 21q22.3.
Variant type: single nucleotide variant.
Coding change: c.403C>T on transcript NM_206965.2 (MANE Select); coding-DNA position 403, C replaced by T.
Protein change: p.Arg135Cys; replaces arginine 135 with cysteine.
Molecular consequence: missense variant.
Genome position (GRCh38, 1-based): chr21:46,151,945, G>A on the plus strand (C>T on the coding strand, the complement: FTCD is on the minus strand). VCF-style: chr21-46151945-G-A. GRCh37 (hg19) VCF-style: chr21-47571859-G-A.
Other names: c.403C>T, p.Arg135Cys (NM_001320412.2, NM_006657.3); short protein forms R135C.
Identifiers: ClinVar variation 4017 (VCV000004017.6), dbSNP rs28941768, ClinGen allele CA116584.